The following is an entry in ClinVar:

NM_182920.2(ADAMTS9):c.1862A>G (p.Lys621Arg)

Gene: ADAMTS9 (ADAM metallopeptidase with thrombospondin type 1 motif 9; minus strand). Cytogenetic location: 3p14.1.
Variant type: single nucleotide variant.
Coding change: c.1862A>G on transcript NM_182920.2 (MANE Select); coding-DNA position 1862, A replaced by G.
Protein change: p.Lys621Arg; replaces lysine 621 with arginine.
Molecular consequence: missense variant.
Genome position (GRCh38, 1-based): chr3:64,633,874, T>C on the plus strand (A>G on the coding strand, the complement: ADAMTS9 is on the minus strand). VCF-style: chr3-64633874-T-C. GRCh37 (hg19) VCF-style: chr3-64619550-T-C.
Other names: c.1778A>G, p.Lys593Arg (NM_001318781.2); short protein forms K621R, K593R.
Identifiers: ClinVar variation 2270835 (VCV002270835.3), dbSNP rs145539254, ClinGen allele CA2481373.
Genomic context (GRCh38, chr3:64,633,874, plus strand): 5'-GGCTCCGTGTTGCAGGACTTAAATTTCATTCTACGTCCTACACAGTATTTTCCACCATTT[T>C]TTGGTCTGAAAAAGAAAAAATGTGAAGAGCACACACACTGTATTATCATGTATTCCTCTG-3'
Protein context (NP_891550.1, residues 611-631): AIRECNRPEP[Lys621Arg]NGGKYCVGRR

ClinVar aggregate classification (germline): Conflicting classifications of pathogenicity. Review status: criteria provided, conflicting classifications (1 of 4 stars). 2 submissions from 2 submitters: Uncertain significance (1); Likely benign (1). Last evaluated 2026-04-27.

Conditions:
ADAMTS9-related disorder. Also called: ADAMTS9-related condition.

Allele frequency attached by ClinVar (database versions not stated): gnomAD exomes 0.00005; ExAC 0.00013; ESP Exome Variant Server 0.00023; gnomAD 0.00058; TOPMed 0.00062.
gnomAD v4.1: 155 of 1,611,542 alleles (0.0096%); highest among the groups gnomAD compares: African/African-American, 0.2%; no homozygotes.

Submissions (2):

PreventionGenetics, part of Exact Sciences
Classification: Likely benign for ADAMTS9-related condition. Last evaluated: 2026-04-27. Review status: criteria provided, single submitter. Criteria: ACMG Guidelines, 2015. Collection method: clinical testing. Allele origin: germline.
Comment: This variant is classified as likely benign based on ACMG/AMP sequence variant interpretation guidelines (Richards et al. 2015 PMID: 25741868, with internal and published modifications).

Ambry Genetics
Classification: Uncertain significance. Last evaluated: 2021-10-27. Review status: criteria provided, single submitter. Criteria: Ambry Variant Classification Scheme 2023. Collection method: clinical testing. Allele origin: germline.